The following is an entry in ClinVar:

ClinVar aggregate classification (germline): Likely benign. Review status: criteria provided, single submitter (1 of 4 stars). 2 submissions from 2 submitters: Likely benign (1). 1 of the submissions does not count toward it. Last evaluated 2024-08-27.

Conditions:
PCNT-related disorder. Also called: PCNT-related condition.

Allele frequency attached by ClinVar (database versions not stated): gnomAD exomes 0.00004; ExAC 0.00005; gnomAD 0.00009; TOPMed 0.00012; ESP Exome Variant Server 0.00015; 1000 Genomes Project 30x 0.00016; 1000 Genomes Project 0.00020.
gnomAD v4.1: 78 of 1,610,616 alleles (0.0048%); highest among the groups gnomAD compares: African/African-American, 0.024%; no homozygotes.

Submissions (2):

Labcorp Genetics (formerly Invitae), Labcorp
Classification: Likely benign. Last evaluated: 2024-08-27. Review status: criteria provided, single submitter. Criteria: Invitae Variant Classification Sherloc (09022015). Collection method: clinical testing. Allele origin: germline.

PreventionGenetics, part of Exact Sciences
Classification: Likely benign for PCNT-related condition. Last evaluated: 2023-09-08. Review status: no assertion criteria provided. Collection method: clinical testing. Allele origin: germline. Not counted in ClinVar's aggregate classification.
Comment: This variant is classified as likely benign based on ACMG/AMP sequence variant interpretation guidelines (Richards et al. 2015 PMID: 25741868, with internal and published modifications).

NM_006031.6(PCNT):c.2580C>T (p.Cys860=)

Gene: PCNT (pericentrin; plus strand). Cytogenetic location: 21q22.3.
Variant type: single nucleotide variant.
Coding change: c.2580C>T on transcript NM_006031.6 (MANE Select); coding-DNA position 2580, C replaced by T.
Protein change: p.Cys860=; no amino-acid change (cysteine 860 retained).
Molecular consequence: synonymous variant.
Genome position (GRCh38, 1-based): chr21:46,363,905, C>T. VCF-style: chr21-46363905-C-T. GRCh37 (hg19) VCF-style: chr21-47783820-C-T.
Other names: c.2226C>T, p.Cys742= (NM_001315529.2); c.2580C>T (NM_006031.5).
Identifiers: ClinVar variation 2174611 (VCV002174611.6), dbSNP rs373217938, ClinGen allele CA10079020.